The following is an entry in ClinVar:

ClinVar aggregate classification (germline): Likely benign. Review status: criteria provided, multiple submitters, no conflicts (2 of 4 stars). 3 submissions from 3 submitters: Likely benign (3). Last evaluated 2018-07-06.

Conditions:
Hermansky-Pudlak syndrome 3 (HPS3). Identifiers: Orphanet 231512, Orphanet 79430, MedGen C3888001, MONDO:0013555, OMIM 614072.

Allele frequency attached by ClinVar (database versions not stated): 1000 Genomes Project 30x 0.00234; 1000 Genomes Project 0.00240; TOPMed 0.00704; gnomAD 0.00761 and 0.00795; gnomAD exomes 0.00977.
gnomAD v4.1: 5,322 of 583,256 alleles (0.91%); highest among the groups gnomAD compares: Non-Finnish European, 1.3%; 39 homozygotes.

Submissions (3):

GeneDx
Classification: Likely benign. Last evaluated: 2018-07-06. Review status: criteria provided, single submitter. Criteria: GeneDx Variant Classification Process June 2021. Collection method: clinical testing. Allele origin: germline. Affected: yes.
Comment: See Variant Classification Assertion Criteria.

Illumina Laboratory Services, Illumina
Classification: Likely benign for Hermansky-Pudlak syndrome 3. Last evaluated: 2018-01-12. Review status: criteria provided, single submitter. Criteria: ICSL Variant Classification Criteria 13 December 2019. Collection method: clinical testing. Allele origin: germline.
Comment: This variant was observed in the ICSL laboratory as part of a predisposition screen in an ostensibly healthy population. It had not been previously curated by ICSL or reported in the Human Gene Mutation Database (HGMD: prior to June 1st, 2018), and was therefore a candidate for classification through an automated scoring system. Utilizing variant allele frequency, disease prevalence and penetrance estimates, and inheritance mode, an automated score was calculated to assess if this variant is too frequent to cause the disease. Based on the score and internal cut-off values, a variant classified as likely benign is not then subjected to further curation. The score for this variant resulted in a classification of likely benign for this disease.

Breakthrough Genomics
Classification: Likely benign. Review status: criteria provided, single submitter. Criteria: ACMG Guidelines, 2015. Collection method: not provided. Allele origin: germline. Inheritance: Autosomal recessive inheritance. Affected: yes.

NM_032383.5(HPS3):c.*170C>T

Genes: CP (ceruloplasmin; minus strand), HPS3 (HPS3 biogenesis of lysosomal organelles complex 2 subunit 1; plus strand). Cytogenetic location: 3q24.
Variant type: single nucleotide variant.
Coding change: c.*170C>T on transcript NM_032383.5 (MANE Select); 170 bases downstream of the stop codon, C replaced by T.
Molecular consequence: 3 prime UTR variant.
Genome position (GRCh38, 1-based): chr3:149,172,392, C>T. VCF-style: chr3-149172392-C-T. GRCh37 (hg19) VCF-style: chr3-148890179-C-T.
Other names: c.*170C>T (NM_001308258.2).
Identifiers: ClinVar variation 343733 (VCV000343733.7), dbSNP rs182666670, ClinGen allele CA10615529.